The following is an entry in ClinVar:

NC_000023.11:g.(?_31478096)_(31774202_?)del

Gene: DMD (dystrophin; minus strand). Cytogenetic location: Xp21.2-21.1.
Variant type: Deletion.
Identifiers: ClinVar variation 831052 (VCV000831052.6).

ClinVar aggregate classification (germline): Pathogenic (1 of 4 stars; one submission).

Conditions:
Duchenne muscular dystrophy (DMD). Also called: Duchenne Muscular Dystrophy (DMD); MUSCULAR DYSTROPHY, PSEUDOHYPERTROPHIC PROGRESSIVE, DUCHENNE TYPE. Identifiers: Orphanet 98896, MedGen C0013264, MONDO:0010679, OMIM 310200.

Submission:

Labcorp Genetics (formerly Invitae), Labcorp
Classification: Pathogenic for Duchenne muscular dystrophy. Last evaluated: 2019-04-25. Review status: criteria provided, single submitter. Criteria: Invitae Variant Classification Sherloc (09022015). Collection method: clinical testing. Allele origin: germline.
Comment: This variant is an out-of-frame deletion of the genomic region encompassing exons 51-59 of the DMD gene. This is expected to create a premature translational stop signal and result in an absent or disrupted protein product. A similar deletion has been observed in an individual with Duchenne muscular dystrophy (PMID: 27206868). Loss-of-function variants in DMD are known to be pathogenic (PMID: 16770791, 25007885). For these reasons, this variant has been classified as Pathogenic.

Literature cited by the submitters: PubMed 27206868; PubMed 16770791; PubMed 25007885.